The following is an entry in ClinVar:

NM_000170.3(GLDC):c.1402-3T>G

Gene: GLDC (glycine decarboxylase; minus strand). Cytogenetic location: 9p24.1.
Variant type: single nucleotide variant.
Coding change: c.1402-3T>G on transcript NM_000170.3 (MANE Select); 3 bases into the intron before coding-DNA position 1402, T replaced by G.
Molecular consequence: intron variant.
Genome position (GRCh38, 1-based): chr9:6,592,226, A>C on the plus strand (T>G on the coding strand, the complement: GLDC is on the minus strand). VCF-style: chr9-6592226-A-C. GRCh37 (hg19) VCF-style: chr9-6592226-A-C.
Identifiers: ClinVar variation 2018798 (VCV002018798.1), dbSNP rs2489084142, ClinGen allele CA2580080250.

ClinVar aggregate classification (germline): Uncertain significance (1 of 4 stars; one submission).

Conditions:
Glycine encephalopathy. Also called: Nonketotic hyperglycinemia; Non-ketotic hyperglycinemia. Identifiers: Orphanet 407, MedGen C0751748, MONDO:0011612, HP:0008288.

Submission:

Labcorp Genetics (formerly Invitae), Labcorp
Classification: Uncertain significance for Glycine encephalopathy. Last evaluated: 2022-09-02. Review status: criteria provided, single submitter. Criteria: Invitae Variant Classification Sherloc (09022015). Collection method: clinical testing. Allele origin: germline.
Comment: This sequence change falls in intron 10 of the GLDC gene. It does not directly change the encoded amino acid sequence of the GLDC protein. It affects a nucleotide within the consensus splice site. This variant is not present in population databases (gnomAD no frequency). This variant has not been reported in the literature in individuals affected with GLDC-related conditions. Variants that disrupt the consensus splice site are a relatively common cause of aberrant splicing (PMID: 17576681, 9536098). Algorithms developed to predict the effect of sequence changes on RNA splicing suggest that this variant may disrupt the consensus splice site. In summary, the available evidence is currently insufficient to determine the role of this variant in disease. Therefore, it has been classified as a Variant of Uncertain Significance.

Literature cited by the submitters: PubMed 17576681; PubMed 9536098.